The following is an entry in ClinVar:

ClinVar aggregate classification (germline): Uncertain significance (1 of 4 stars; one submission).

Conditions:
Syndromic multisystem autoimmune disease due to ITCH deficiency. Also called: AUTOIMMUNE DISEASE, MULTISYSTEM, WITH FACIAL DYSMORPHISM. Identifiers: Orphanet 228426, MedGen C3150649, MONDO:0013245, OMIM 613385.

Submission:

Labcorp Genetics (formerly Invitae), Labcorp
Classification: Uncertain significance for Syndromic multisystem autoimmune disease due to ITCH deficiency. Last evaluated: 2022-02-03. Review status: criteria provided, single submitter. Criteria: Invitae Variant Classification Sherloc (09022015). Collection method: clinical testing. Allele origin: germline.
Comment: This sequence change replaces aspartic acid, which is acidic and polar, with histidine, which is basic and polar, at codon 134 of the ITCH protein (p.Asp134His). This variant is not present in population databases (gnomAD no frequency). This variant has not been reported in the literature in individuals affected with ITCH-related conditions. Algorithms developed to predict the effect of missense changes on protein structure and function are either unavailable or do not agree on the potential impact of this missense change (SIFT: "Not Available"; PolyPhen-2: "Possibly Damaging"; Align-GVGD: "Not Available"). In summary, the available evidence is currently insufficient to determine the role of this variant in disease. Therefore, it has been classified as a Variant of Uncertain Significance.

NM_031483.7(ITCH):c.400G>C (p.Asp134His)

Gene: ITCH (itchy E3 ubiquitin protein ligase; plus strand). Cytogenetic location: 20q11.22.
Variant type: single nucleotide variant.
Coding change: c.400G>C on transcript NM_031483.7 (MANE Select); coding-DNA position 400, G replaced by C.
Protein change: p.Asp134His; replaces aspartic acid 134 with histidine.
Molecular consequence: missense variant.
Genome position (GRCh38, 1-based): chr20:34,413,804, G>C. VCF-style: chr20-34413804-G-C. GRCh37 (hg19) VCF-style: chr20-33001610-G-C.
Other names: c.400G>C, p.Asp134His (NM_001257137.3, NM_001324197.2, NM_001324198.2); c.70G>C, p.Asp24His (NM_001257138.3); short protein forms D24H, D134H.
Identifiers: ClinVar variation 2092228 (VCV002092228.4), dbSNP rs2515548629, ClinGen allele CA408661920.
Genomic context (GRCh38, chr20:34,413,804, plus strand): 5'-GAAGAAGTAGTTGTGACTTTGCAGCTTGGAGGTGACAAAGAGCCAACAGAGACAATAGGA[G>C]ACTTGTCAATTTGTCTTGATGGGCTACAGTTAGAGTCTGAAGTTGTTACCAATGGTGAAA-3'
Protein context (NP_113671.3, residues 124-144): GDKEPTETIG[Asp134His]LSICLDGLQL